The following is an entry in ClinVar:

ClinVar aggregate classification (germline): Uncertain significance (1 of 4 stars; one submission).

Conditions:
Emery-Dreifuss muscular dystrophy 4, autosomal dominant (EDMD4). Also called: EMERY-DREIFUSS MUSCULAR DYSTROPHY 4 WITH VARIABLE FEATURES. Identifiers: Orphanet 261, MedGen C2751807, MONDO:0013071, OMIM 612998.
Autosomal recessive ataxia, Beauce type. Also called: SYNE1 Deficiency; Spinocerebellar ataxia, autosomal recessive 8; ATAXIA, RECESSIVE, OF BEAUCE; SYNE1-Related Autosomal Recessive Cerebellar Ataxia. Identifiers: Orphanet 88644, MedGen C1853116, MONDO:0012549, OMIM 610743.

Submission:

Labcorp Genetics (formerly Invitae), Labcorp
Classification: Uncertain significance for Emery-Dreifuss muscular dystrophy 4, autosomal dominant; Autosomal recessive ataxia, Beauce type. Last evaluated: 2022-02-09. Review status: criteria provided, single submitter. Criteria: Invitae Variant Classification Sherloc (09022015). Collection method: clinical testing. Allele origin: germline.
Comment: This variant has not been reported in the literature in individuals affected with SYNE1-related conditions. This variant is not present in population databases (gnomAD no frequency). This sequence change replaces phenylalanine, which is neutral and non-polar, with isoleucine, which is neutral and non-polar, at codon 285 of the SYNE1 protein (p.Phe285Ile). Algorithms developed to predict the effect of missense changes on protein structure and function are either unavailable or do not agree on the potential impact of this missense change (SIFT: "Deleterious"; PolyPhen-2: "Probably Damaging"; Align-GVGD: "Class C0"). In summary, the available evidence is currently insufficient to determine the role of this variant in disease. Therefore, it has been classified as a Variant of Uncertain Significance.

NM_182961.4(SYNE1):c.832T>A (p.Phe278Ile)

Gene: SYNE1 (spectrin repeat containing nuclear envelope protein 1; minus strand). Cytogenetic location: 6q25.2.
Variant type: single nucleotide variant.
Coding change: c.832T>A on transcript NM_182961.4 (MANE Select); coding-DNA position 832, T replaced by A.
Protein change: p.Phe278Ile; replaces phenylalanine 278 with isoleucine.
Molecular consequence: missense variant.
Genome position (GRCh38, 1-based): chr6:152,502,689, A>T on the plus strand (T>A on the coding strand, the complement: SYNE1 is on the minus strand). VCF-style: chr6-152502689-A-T. GRCh37 (hg19) VCF-style: chr6-152823824-A-T.
Other names: c.853T>A, p.Phe285Ile (NM_033071.5); short protein forms F278I, F285I.
Identifiers: ClinVar variation 1979491 (VCV001979491.4), dbSNP rs2507850194, ClinGen allele CA366147980.